The following is an entry in ClinVar:

NM_004463.3(FGD1):c.1673C>G (p.Ser558Trp)

Gene: FGD1 (FYVE, RhoGEF and PH domain containing 1; minus strand). Cytogenetic location: Xp11.22.
Variant type: single nucleotide variant.
Coding change: c.1673C>G on transcript NM_004463.3 (MANE Select); coding-DNA position 1673, C replaced by G.
Protein change: p.Ser558Trp; replaces serine 558 with tryptophan.
Molecular consequence: missense variant.
Genome position (GRCh38, 1-based): chrX:54,456,531, G>C on the plus strand (C>G on the coding strand, the complement: FGD1 is on the minus strand). VCF-style: chrX-54456531-G-C. GRCh37 (hg19) VCF-style: chrX-54482964-G-C.
Other names: short protein forms S558W.
Identifiers: ClinVar variation 1712853 (VCV001712853.4), dbSNP rs2522700346, ClinGen allele CA413360512.

ClinVar aggregate classification (germline): Conflicting classifications of pathogenicity. Review status: criteria provided, conflicting classifications (1 of 4 stars). 2 submissions from 2 submitters: Likely pathogenic (1); Uncertain significance (1). Last evaluated 2026-01-14.

Conditions:
FGD1-related disorder. Also called: FGD1-related disorders; FGD1-related condition.

Submissions (2):

GeneDx
Classification: Uncertain significance. Last evaluated: 2026-01-14. Review status: criteria provided, single submitter. Criteria: GeneDx Variant Classification Process June 2021. Collection method: clinical testing. Allele origin: germline.
Comment: In silico analysis supports that this missense variant has a deleterious effect on protein structure/function; Not observed at significant frequency in large population cohorts (gnomAD); This variant is associated with the following publications: (PMID: 34189097, 21739585, 23303910, 29925821, 33762894, 20082460)

Blueprint Genetics
Classification: Likely pathogenic for FGD1-related disorders. Last evaluated: 2022-09-21. Review status: criteria provided, single submitter. Criteria: ACMG Guidelines, 2015. Collection method: clinical testing. Allele origin: germline. Affected: yes. Observed: 1 variant allele.